The following is an entry in ClinVar:

ClinVar aggregate classification (germline): Uncertain significance (1 of 4 stars; one submission).

Conditions:
Carney complex, type 1 (CNC1). Also called: CARNEY MYXOMA-ENDOCRINE COMPLEX; CARNEY COMPLEX, TYPE I. Identifiers: Orphanet 1359, MedGen C2607929, MONDO:0008057, OMIM 160980.

Submission:

Labcorp Genetics (formerly Invitae), Labcorp
Classification: Uncertain significance for Carney complex, type 1. Last evaluated: 2025-09-20. Review status: criteria provided, single submitter. Criteria: Invitae Variant Classification Sherloc (09022015). Collection method: clinical testing. Allele origin: germline.
Comment: This sequence change replaces methionine, which is neutral and non-polar, with threonine, which is neutral and polar, at codon 331 of the PRKAR1A protein (p.Met331Thr). This variant is not present in population databases (gnomAD no frequency). This variant has not been reported in the literature in individuals affected with PRKAR1A-related conditions. Invitae Evidence Modeling of protein sequence and biophysical properties (such as structural, functional, and spatial information, amino acid conservation, physicochemical variation, residue mobility, and thermodynamic stability) indicates that this missense variant is not expected to disrupt PRKAR1A protein function with a negative predictive value of 95%. In summary, the available evidence is currently insufficient to determine the role of this variant in disease. Therefore, it has been classified as a Variant of Uncertain Significance.

NM_002734.5(PRKAR1A):c.992T>C (p.Met331Thr)

Gene: PRKAR1A (protein kinase cAMP-dependent type I regulatory subunit alpha; plus strand). Cytogenetic location: 17q24.2.
Variant type: single nucleotide variant.
Coding change: c.992T>C on transcript NM_002734.5 (MANE Select); coding-DNA position 992, T replaced by C.
Protein change: p.Met331Thr; replaces methionine 331 with threonine.
Molecular consequence: missense variant. On other transcripts: intron variant (1).
Genome position (GRCh38, 1-based): chr17:68,530,295, T>C. VCF-style: chr17-68530295-T-C. GRCh37 (hg19) VCF-style: chr17-66526436-T-C.
Other names: c.992T>C, p.Met331Thr (NM_001276289.2, NM_001278433.2, NM_001369389.1 and 3 more transcripts); c.973+294T>C (NM_001276290.1); short protein forms M331T.
Identifiers: ClinVar variation 4744062 (VCV004744062.1).
Genomic context (GRCh38, chr17:68,530,295, plus strand): 5'-TTTCATAGAAGTTAGCCTGTTACCCATCTTTGCTTTCTCCAGGTGAAATTGCACTACTGA[T>C]GAATCGTCCTCGTGCTGCCACAGTTGTTGCTCGTGGCCCCTTGAAGTGCGTTAAGCTGGA-3'
Protein context (NP_002725.1, residues 321-341): SDYFGEIALL[Met331Thr]NRPRAATVVA